The following is an entry in ClinVar:

ClinVar aggregate classification (germline): Uncertain significance (1 of 4 stars; one submission).

gnomAD v4.1: 2 of 1,614,180 alleles (0.00012%); highest among the groups gnomAD compares: African/African-American, 0.0027%; no homozygotes.

Submission:

Labcorp Genetics (formerly Invitae), Labcorp
Classification: Uncertain significance. Last evaluated: 2025-08-04. Review status: criteria provided, single submitter. Criteria: Invitae Variant Classification Sherloc (09022015). Collection method: clinical testing. Allele origin: germline.
Comment: This sequence change replaces alanine, which is neutral and non-polar, with glycine, which is neutral and non-polar, at codon 942 of the KANK1 protein (p.Ala942Gly). This variant is present in population databases (no rsID available, gnomAD 0.007%). This variant has not been reported in the literature in individuals affected with KANK1-related conditions. Invitae Evidence Modeling of protein sequence and biophysical properties (such as structural, functional, and spatial information, amino acid conservation, physicochemical variation, residue mobility, and thermodynamic stability) indicates that this missense variant is not expected to disrupt KANK1 protein function with a negative predictive value of 80%. In summary, the available evidence is currently insufficient to determine the role of this variant in disease. Therefore, it has been classified as a Variant of Uncertain Significance.

NM_015158.5(KANK1):c.2825C>G (p.Ala942Gly)

Gene: KANK1 (KN motif and ankyrin repeat domains 1; plus strand). Cytogenetic location: 9p24.3.
Variant type: single nucleotide variant.
Coding change: c.2825C>G on transcript NM_015158.5 (MANE Select); coding-DNA position 2825, C replaced by G.
Protein change: p.Ala942Gly; replaces alanine 942 with glycine.
Molecular consequence: missense variant. On other transcripts: non-coding transcript variant (1).
Genome position (GRCh38, 1-based): chr9:730,177, C>G. VCF-style: chr9-730177-C-G. GRCh37 (hg19) VCF-style: chr9-730177-C-G.
Other names: c.2825C>G, p.Ala942Gly (NM_001256876.3, NM_001256877.3, NM_001354331.2 and 3 more transcripts); c.2351C>G, p.Ala784Gly (NM_001354333.2, NM_001354335.2, NM_001354336.2 and 10 more transcripts); short protein forms A784G, A942G.
Identifiers: ClinVar variation 4696652 (VCV004696652.1).
Genomic context (GRCh38, chr9:730,177, plus strand): 5'-CATCCCAGCCTGAGCAAGAAGTGGGGACCTCAGAAGGAAAGCCAATCAGCAGCCTGGATG[C>G]CTTCCCCACTCAGGAAGGTACGCTGTCTCCAGTGAACCTGACAGACGACCAGATCGCCGC-3'
Protein context (NP_055973.2, residues 932-952): SEGKPISSLD[Ala942Gly]FPTQEGTLSP